The following is an entry in ClinVar:

ClinVar aggregate classification (germline): Likely benign (1 of 4 stars; one submission).

Allele frequency attached by ClinVar (database versions not stated): 1000 Genomes Project 30x 0.00021; 1000 Genomes Project 0.00026; ESP Exome Variant Server 0.00028.

Submission:

CeGaT Center for Human Genetics Tuebingen
Classification: Likely benign. Last evaluated: 2022-04-01. Review status: criteria provided, single submitter. Criteria: CeGaT Center For Human Genetics Tuebingen Variant Classification Criteria Version 2. Collection method: clinical testing. Allele origin: germline. Affected: yes. Observed: 1 variant allele.
Comment: SHROOM4: BP4, BP7

NM_020717.5(SHROOM4):c.4065C>A (p.Ala1355=)

Gene: SHROOM4 (shroom family member 4; minus strand). Cytogenetic location: Xp11.22.
Variant type: single nucleotide variant.
Coding change: c.4065C>A on transcript NM_020717.5 (MANE Select); coding-DNA position 4065, C replaced by A.
Protein change: p.Ala1355=; no amino-acid change (alanine 1355 retained).
Molecular consequence: synonymous variant. On other transcripts: non-coding transcript variant (4).
Genome position (GRCh38, 1-based): chrX:50,598,413, G>T on the plus strand (C>A on the coding strand, the complement: SHROOM4 is on the minus strand). VCF-style: chrX-50598413-G-T. GRCh37 (hg19) VCF-style: chrX-50341413-G-T.
Identifiers: ClinVar variation 2660555 (VCV002660555.24), dbSNP rs140760349, ClinGen allele CA10415879.